The following is an entry in ClinVar:

NM_006767.4(LZTR1):c.1785+15C>A

Gene: LZTR1 (leucine zipper like post translational regulator 1; plus strand). Cytogenetic location: 22q11.21.
Variant type: single nucleotide variant.
Coding change: c.1785+15C>A on transcript NM_006767.4 (MANE Select); 15 bases into the intron after coding-DNA position 1785, C replaced by A.
Molecular consequence: intron variant.
Genome position (GRCh38, 1-based): chr22:20,994,742, C>A. VCF-style: chr22-20994742-C-A. GRCh37 (hg19) VCF-style: chr22-21349031-C-A.
Identifiers: ClinVar variation 2752510 (VCV002752510.3), dbSNP rs2518622095, ClinGen allele CA2655440695.
Genomic context (GRCh38, chr22:20,994,742, plus strand): 5'-GGTTGTGTGCGAGAGTGCCGCCCGGCTGCAGCTGAGCCAACTCAAGGTGTGGGGTGGGGT[C>A]AGCGCAATCAGGGTTGGGTGGGGTGTGCTCAGGCTTAGGCCCCCTCCCTGCCCACCACTG-3'

ClinVar aggregate classification (germline): Uncertain significance (1 of 4 stars; one submission).

Submission:

Labcorp Genetics (formerly Invitae), Labcorp
Classification: Uncertain significance. Last evaluated: 2023-09-08. Review status: criteria provided, single submitter. Criteria: Invitae Variant Classification Sherloc (09022015). Collection method: clinical testing. Allele origin: germline.
Comment: In summary, the available evidence is currently insufficient to determine the role of this variant in disease. Therefore, it has been classified as a Variant of Uncertain Significance. Algorithms developed to predict the effect of sequence changes on RNA splicing suggest that this variant may disrupt the consensus splice site. This variant has not been reported in the literature in individuals affected with LZTR1-related conditions. This variant is not present in population databases (gnomAD no frequency). This sequence change falls in intron 15 of the LZTR1 gene. It does not directly change the encoded amino acid sequence of the LZTR1 protein.